The following is an entry in ClinVar:

NM_000377.3(WAS):c.302_303insC (p.Tyr102fs)

Gene: WAS (WASP actin nucleation promoting factor; plus strand). Cytogenetic location: Xp11.23.
Variant type: Insertion.
Coding change: c.302_303insC on transcript NM_000377.3 (MANE Select); coding-DNA positions 302 to 303, C inserted.
Protein change: p.Tyr102fs; shifts the reading frame from tyrosine 102.
Molecular consequence: frameshift variant.
Genome position: GRCh38 VCF-style: chrX-48685575-T-TC. GRCh37 (hg19) VCF-style: chrX-48543964-T-TC.
Other names: short protein forms Y102fs.
Identifiers: ClinVar variation 947868 (VCV000947868.7), dbSNP rs2062416187, ClinGen allele CA1139667529.
Genomic context (GRCh38, chrX:48,685,575, plus strand): 5'-GCCACTGTGCCTCCCACCCTACACCTCTCCAGGCTGGTCGGCTGCTCTGGGAACAGGAGC[T>TC]GTACTCACAGCTTGTCTACTCCACCCCCACCCCCTTCTTCCACACCTTCGCTGGAGATGT-3'

ClinVar aggregate classification (germline): Pathogenic (1 of 4 stars; one submission).

Conditions:
Thrombocytopenia 1. Also called: X-Linked Thrombocytopenia (XLT); THROMBOCYTOPENIA, X-LINKED, 1; X-linked thrombocytopenia with normal platelets. Identifiers: Orphanet 268322, Orphanet 852, MedGen C1839163, MONDO:0010743, OMIM 313900.
X-linked severe congenital neutropenia (SCNX). Identifiers: Orphanet 86788, MedGen C1845987, MONDO:0010294, OMIM 300299.
Wiskott-Aldrich syndrome (WAS). Also called: ALDRICH SYNDROME; IMMUNODEFICIENCY 2; WISKOTT-ALDRICH SYNDROME 1; Wiskott-aldrich syndrome, somatic. Identifiers: Orphanet 906, MedGen C0043194, MONDO:0010518, OMIM 301000.

Submission:

Labcorp Genetics (formerly Invitae), Labcorp
Classification: Pathogenic for Wiskott-Aldrich syndrome; X-linked severe congenital neutropenia; Thrombocytopenia 1. Last evaluated: 2019-05-14. Review status: criteria provided, single submitter. Criteria: Invitae Variant Classification Sherloc (09022015). Collection method: clinical testing. Allele origin: germline.
Comment: For these reasons, this variant has been classified as Pathogenic. Loss-of-function variants in WAS are known to be pathogenic (PMID: 15284122). This variant has not been reported in the literature in individuals with WAS-related conditions. This variant is not present in population databases (ExAC no frequency). This sequence change creates a premature translational stop signal (p.Tyr102Valfs*20) in the WAS gene. It is expected to result in an absent or disrupted protein product.

Literature cited by the submitters: PubMed 15284122.